The following is an entry in ClinVar:

NM_201253.3(CRB1):c.2774T>A (p.Val925Asp)

Gene: CRB1 (crumbs cell polarity complex component 1; plus strand). Cytogenetic location: 1q31.3.
Variant type: single nucleotide variant.
Coding change: c.2774T>A on transcript NM_201253.3 (MANE Select); coding-DNA position 2774, T replaced by A.
Protein change: p.Val925Asp; replaces valine 925 with aspartic acid.
Molecular consequence: missense variant. On other transcripts: non-coding transcript variant (2), intron variant (1).
Genome position (GRCh38, 1-based): chr1:197,429,546, T>A. VCF-style: chr1-197429546-T-A. GRCh37 (hg19) VCF-style: chr1-197398676-T-A.
Other names: c.2438T>A, p.Val813Asp (NM_001193640.2); c.2702T>A, p.Val901Asp (NM_001257965.2); c.2129-6054T>A (NM_001257966.2); short protein forms V813D, V901D, V925D.
Identifiers: ClinVar variation 3544476 (VCV003544476.1).

ClinVar aggregate classification (germline): Uncertain significance (1 of 4 stars; one submission).

Conditions:
Retinitis pigmentosa (RP). Identifiers: Orphanet 791, MedGen C0035334, MeSH D012174, MONDO:0019200, OMIM 268000. Inheritance: Autosomal dominant, autosomal recessive and X linked inheritance.

gnomAD v4.1: 1 of 1,613,890 alleles (0.000062%); highest among the groups gnomAD compares: South Asian, 0.0011%; no homozygotes.

Submission:

Lab De Baere, Eye and Developmental Genetics Lab, Ghent University
Classification: Uncertain significance for Retinitis pigmentosa. Last evaluated: 2024-10-01. Review status: criteria provided, single submitter. Criteria: ACMG Guidelines, 2015. Collection method: research. Allele origin: inherited. Affected: yes. Observed: 1 variant allele.
Comment: ACMG/AMP guidelines: PM2, BP4, PM3_1